The following is an entry in ClinVar:

NM_053025.4(MYLK):c.1049C>A (p.Ala350Glu)

Gene: MYLK (myosin light chain kinase; minus strand). Cytogenetic location: 3q21.1.
Variant type: single nucleotide variant.
Coding change: c.1049C>A on transcript NM_053025.4 (MANE Select); coding-DNA position 1049, C replaced by A.
Protein change: p.Ala350Glu; replaces alanine 350 with glutamic acid.
Molecular consequence: missense variant.
Genome position (GRCh38, 1-based): chr3:123,733,947, G>T on the plus strand (C>A on the coding strand, the complement: MYLK is on the minus strand). VCF-style: chr3-123733947-G-T. GRCh37 (hg19) VCF-style: chr3-123452794-G-T.
Other names: c.521C>A, p.Ala174Glu (NM_001321309.2); c.1049C>A, p.Ala350Glu (NM_053026.4, NM_053027.4, NM_053028.4); short protein forms A174E, A350E.
Identifiers: ClinVar variation 3915759 (VCV003915759.1).
Genomic context (GRCh38, chr3:123,733,947, plus strand): 5'-TCTTCTCCAGAAGGTGATAGGACCCCCAGGCCTGGTGCTCTTGGTTCCGGCTGAACTCTT[G>T]CGGCCTGCAGGGTGATGGAGCTGGAAGTCTTCTGAAGGACCGGGGTCTGCGGGGCCGTTC-3'
Protein context (NP_444253.3, residues 340-360): KTSSSITLQA[Ala350Glu]RVQPEPRAPG

ClinVar aggregate classification (germline): Uncertain significance (1 of 4 stars; one submission).

Conditions:
Familial thoracic aortic aneurysm and aortic dissection (TAAD). Also called: Thoracic aortic aneurysms and dissections. Identifiers: Orphanet 91387, MedGen C4707243, MONDO:0019625.

gnomAD v4.1: 3 of 1,614,180 alleles (0.00019%); highest among the groups gnomAD compares: South Asian, 0.0033%; no homozygotes.

Submission:

Ambry Genetics
Classification: Uncertain significance for Familial thoracic aortic aneurysm and aortic dissection. Last evaluated: 2025-04-05. Review status: criteria provided, single submitter. Criteria: Ambry Variant Classification Scheme 2023. Collection method: clinical testing. Allele origin: germline.
Comment: The p.A350E variant (also known as c.1049C>A), located in coding exon 7 of the MYLK gene, results from a C to A substitution at nucleotide position 1049. The alanine at codon 350 is replaced by glutamic acid, an amino acid with dissimilar properties. This amino acid position is conserved. In addition, this alteration is predicted to be tolerated by in silico analysis. Based on the available evidence, the clinical significance of this variant remains unclear.